The following is an entry in ClinVar:

NM_018972.4(GDAP1):c.482G>A (p.Arg161His)

Gene: GDAP1 (ganglioside induced differentiation associated protein 1; plus strand). Cytogenetic location: 8q21.11.
Variant type: single nucleotide variant.
Coding change: c.482G>A on transcript NM_018972.4 (MANE Select); coding-DNA position 482, G replaced by A.
Protein change: p.Arg161His; replaces arginine 161 with histidine.
Molecular consequence: missense variant. On other transcripts: intron variant (1).
Genome position (GRCh38, 1-based): chr8:74,360,308, G>A. VCF-style: chr8-74360308-G-A. GRCh37 (hg19) VCF-style: chr8-75272543-G-A.
Other names: c.278G>A, p.Arg93His (NM_001040875.4); c.155G>A, p.Arg52His (NM_001362929.2, NM_001362932.2); c.482G>A, p.Arg161His (NM_001362931.2); c.311-1576G>A (NM_001362930.2); c.482G>A (NM_018972.2); short protein forms R161H, R52H, R93H.
Identifiers: ClinVar variation 4192 (VCV000004192.48), dbSNP rs104894076, ClinGen allele CA116685.

ClinVar aggregate classification (germline): Pathogenic/Likely pathogenic. Review status: criteria provided, multiple submitters, no conflicts (2 of 4 stars). 4 submissions from 4 submitters: Pathogenic (1); Likely pathogenic (1). 2 of the submissions do not count toward it. Last evaluated 2024-10-18.

Conditions:
Charcot-Marie-Tooth disease type 4A. Also called: Charcot-Marie-Tooth disease, demyelinating, autosomal recessive, type 4a. Identifiers: Orphanet 99948, MedGen C1859198, MONDO:0008961, OMIM 214400.

Submissions (4):

Labcorp Genetics (formerly Invitae), Labcorp
Classification: Likely pathogenic for Charcot-Marie-Tooth disease type 4A. Last evaluated: 2024-10-18. Review status: criteria provided, single submitter. Criteria: Invitae Variant Classification Sherloc (09022015). Collection method: clinical testing. Allele origin: germline.
Comment: This sequence change replaces arginine, which is basic and polar, with histidine, which is basic and polar, at codon 161 of the GDAP1 protein (p.Arg161His). This variant is not present in population databases (gnomAD no frequency). This missense change has been observed in individual(s) with autosomal recessive Charcot-Marie-Tooth disease (PMID: 11743579, 14561495, 25231362; internal data). In at least one individual the data is consistent with being in trans (on the opposite chromosome) from a pathogenic variant. ClinVar contains an entry for this variant (Variation ID: 4192). An algorithm developed to predict the effect of missense changes on protein structure and function (PolyPhen-2) suggests that this variant is likely to be disruptive. Experimental studies have shown that this missense change affects GDAP1 function (PMID: 16172208, 18021315, 21890626, 28220846, 36912213). In summary, the currently available evidence indicates that the variant is pathogenic, but additional data are needed to prove that conclusively. Therefore, this variant has been classified as Likely Pathogenic.

CeGaT Center for Human Genetics Tuebingen
Classification: Pathogenic. Last evaluated: 2020-07-01. Review status: criteria provided, single submitter. Criteria: CeGaT Center For Human Genetics Tuebingen Variant Classification Criteria Version 2. Collection method: clinical testing. Allele origin: germline. Affected: yes. Observed: 1 variant allele.

Inherited Neuropathy Consortium Ii, University Of Miami
Classification: Uncertain significance for Charcot-Marie-Tooth disease type 4A. Last evaluated: 2016-01-06. Review status: no assertion criteria provided. Collection method: literature only. Allele origin: germline. Affected: yes. Not counted in ClinVar's aggregate classification.

OMIM
Classification: Pathogenic for CHARCOT-MARIE-TOOTH DISEASE, DEMYELINATING, AUTOSOMAL RECESSIVE, TYPE 4A. Last evaluated: 2002-01-01. Review status: no assertion criteria provided. Collection method: literature only. Allele origin: germline. Not counted in ClinVar's aggregate classification.

Literature cited by the submitters: PubMed 11743579 (cited by 3 submitters); PubMed 14561495 (cited by Labcorp Genetics (formerly Invitae), Labcorp); PubMed 25231362 (cited by Labcorp Genetics (formerly Invitae), Labcorp); PubMed 16172208 (cited by Labcorp Genetics (formerly Invitae), Labcorp); PubMed 18021315 (cited by Labcorp Genetics (formerly Invitae), Labcorp); PubMed 21890626 (cited by Labcorp Genetics (formerly Invitae), Labcorp); PubMed 28220846 (cited by Labcorp Genetics (formerly Invitae), Labcorp); PubMed 36912213 (cited by Labcorp Genetics (formerly Invitae), Labcorp).